The following is an entry in ClinVar:

ClinVar aggregate classification (germline): Uncertain significance (1 of 4 stars; one submission).

Conditions:
Amyotrophic lateral sclerosis type 1 (ALS1). Also called: AMYOTROPHIC LATERAL SCLEROSIS 1, FAMILIAL. Identifiers: Orphanet 803, MedGen C1862939, MONDO:0007103, OMIM 105400.
Perry syndrome. Also called: PARKINSONISM WITH ALVEOLAR HYPOVENTILATION AND MENTAL DEPRESSION. Identifiers: Orphanet 178509, MedGen C1868594, MONDO:0008201, OMIM 168605.
Neuronopathy, distal hereditary motor, type 7B. Also called: HMN VIIB; LOWER MOTOR NEURON DISEASE, DYNACTIN TYPE; NEURONOPATHY, DISTAL HEREDITARY MOTOR, AUTOSOMAL DOMINANT 14; NEURONOPATHY, DISTAL HEREDITARY MOTOR, HARDING TYPE VIIB; NEUROPATHY, DISTAL HEREDITARY MOTOR, HARDING TYPE VIIB; NEUROPATHY, DISTAL HEREDITARY MOTOR, WITH VOCAL CORD PARALYSIS, HARDING TYPE VIIB. Identifiers: Orphanet 139589, MedGen C1843315, MONDO:0011879, OMIM 607641.

gnomAD v4.1: 2 of 1,614,046 alleles (0.00012%); highest among the groups gnomAD compares: Non-Finnish European, 0.000085%; no homozygotes.

Submission:

Labcorp Genetics (formerly Invitae), Labcorp
Classification: Uncertain significance for Amyotrophic lateral sclerosis type 1; Neuronopathy, distal hereditary motor, type 7B; Perry syndrome. Last evaluated: 2021-07-21. Review status: criteria provided, single submitter. Criteria: Invitae Variant Classification Sherloc (09022015). Collection method: clinical testing. Allele origin: germline.
Comment: This sequence change replaces glutamic acid with glutamine at codon 1187 of the DCTN1 protein (p.Glu1187Gln). The glutamic acid residue is highly conserved and there is a small physicochemical difference between glutamic acid and glutamine. This variant is not present in population databases (ExAC no frequency). This variant has not been reported in the literature in individuals affected with DCTN1-related conditions. Algorithms developed to predict the effect of missense changes on protein structure and function are either unavailable or do not agree on the potential impact of this missense change (SIFT: "Deleterious"; PolyPhen-2: "Benign"; Align-GVGD: "Class C0"). In summary, the available evidence is currently insufficient to determine the role of this variant in disease. Therefore, it has been classified as a Variant of Uncertain Significance.

NM_004082.5(DCTN1):c.3559G>C (p.Glu1187Gln)

Gene: DCTN1 (dynactin subunit 1; minus strand). Cytogenetic location: 2p13.1.
Variant type: single nucleotide variant.
Coding change: c.3559G>C on transcript NM_004082.5 (MANE Select); coding-DNA position 3559, G replaced by C.
Protein change: p.Glu1187Gln; replaces glutamic acid 1187 with glutamine.
Molecular consequence: missense variant. On other transcripts: non-coding transcript variant (1).
Genome position (GRCh38, 1-based): chr2:74,362,700, C>G on the plus strand (G>C on the coding strand, the complement: DCTN1 is on the minus strand). VCF-style: chr2-74362700-C-G. GRCh37 (hg19) VCF-style: chr2-74589827-C-G.
Other names: c.3484G>C, p.Glu1162Gln (NM_001135040.3); c.3142G>C, p.Glu1048Gln (NM_001135041.3); c.3433G>C, p.Glu1145Gln (NM_001190836.2); c.3538G>C, p.Glu1180Gln (NM_001190837.2); c.3508G>C, p.Glu1170Gln (NM_001378991.1); c.3490G>C, p.Glu1164Gln (NM_001378992.1); c.3157G>C, p.Glu1053Gln (NM_023019.4); short protein forms E1048Q, E1053Q, E1164Q, E1170Q, E1145Q, E1162Q, E1180Q, E1187Q.
Identifiers: ClinVar variation 1463376 (VCV001463376.8), dbSNP rs1485769288, ClinGen allele CA347336798.